The following is an entry in ClinVar:

ClinVar aggregate classification (germline): Uncertain significance (1 of 4 stars; one submission).

Submission:

Labcorp Genetics (formerly Invitae), Labcorp
Classification: Uncertain significance. Last evaluated: 2024-11-03. Review status: criteria provided, single submitter. Criteria: Invitae Variant Classification Sherloc (09022015). Collection method: clinical testing. Allele origin: germline.
Comment: This sequence change replaces glutamine, which is neutral and polar, with glutamic acid, which is acidic and polar, at codon 868 of the NYNRIN protein (p.Gln868Glu). This variant is not present in population databases (gnomAD no frequency). This variant has not been reported in the literature in individuals affected with NYNRIN-related conditions. Experimental studies and prediction algorithms are not available or were not evaluated, and the functional significance of this variant is currently unknown. In summary, the available evidence is currently insufficient to determine the role of this variant in disease. Therefore, it has been classified as a Variant of Uncertain Significance.

NM_025081.3(NYNRIN):c.2602C>G (p.Gln868Glu)

Gene: NYNRIN (NYN domain and retroviral integrase containing; plus strand). Cytogenetic location: 14q12.
Variant type: single nucleotide variant.
Coding change: c.2602C>G on transcript NM_025081.3 (MANE Select); coding-DNA position 2602, C replaced by G.
Protein change: p.Gln868Glu; replaces glutamine 868 with glutamic acid.
Molecular consequence: missense variant.
Genome position (GRCh38, 1-based): chr14:24,411,410, C>G. VCF-style: chr14-24411410-C-G. GRCh37 (hg19) VCF-style: chr14-24880616-C-G.
Other names: short protein forms Q868E.
Identifiers: ClinVar variation 3724494 (VCV003724494.2).